The following is an entry in ClinVar:

NM_000256.3(MYBPC3):c.2047del (p.Trp683fs)

Gene: MYBPC3 (myosin binding protein C3; minus strand). Cytogenetic location: 11p11.2.
Variant type: Deletion.
Coding change: c.2047del on transcript NM_000256.3 (MANE Select); coding-DNA position 2047, one base deleted (T; older notation c.2047delT).
Protein change: p.Trp683fs; shifts the reading frame from tryptophan 683.
Molecular consequence: frameshift variant.
Genome position (GRCh38, 1-based): chr11:47,339,671, A deleted on the plus strand (T on the coding strand, the reverse complement: MYBPC3 is on the minus strand). VCF-style (leftmost placement, unchanged base first): chr11-47339670-CA-C. GRCh37 (hg19) VCF-style: chr11-47361221-CA-C.
Other names: c.2047delT (NM_000256.3); short protein forms W683fs.
Identifiers: ClinVar variation 2748128 (VCV002748128.4), dbSNP rs2495755972, ClinGen allele CA2697548571.
Genomic context (GRCh38, chr11:47,339,670, plus strand): 5'-CCATCTTATAGATGGGGAGACTGAGGAGGGACCCACAGTACCTGCGTGATAGCCTTCTGC[CA>C]GATCACAGTGGGAGCAGGGTCCCCAGAGATAGGGACGTCCAGACGTAGCTTATTTCCAGC-3'

ClinVar aggregate classification (germline): Pathogenic. Review status: criteria provided, multiple submitters, no conflicts (2 of 4 stars). 2 submissions from 2 submitters: Pathogenic (2). Last evaluated 2026-06-30.

Conditions:
Cardiovascular phenotype. Identifiers: MedGen CN230736.
Hypertrophic cardiomyopathy. Also called: HYPERTROPHIC MYOCARDIOPATHY. Identifiers: Orphanet 217569, MedGen C0007194, MeSH D002312, MONDO:0005045, HP:0001639.

Submissions (2):

Ambry Genetics
Classification: Pathogenic for Cardiovascular phenotype. Last evaluated: 2026-06-30. Review status: criteria provided, single submitter. Criteria: Ambry Variant Classification Scheme 2023. Collection method: clinical testing. Allele origin: germline.
Comment: The c.2047delT pathogenic mutation, located in coding exon 21 of the MYBPC3 gene, results from a deletion of one nucleotide at nucleotide position 2047, causing a translational frameshift with a predicted alternate stop codon (p.W683Gfs*71). This variant was reported in individual(s) with features consistent with hypertrophic cardiomyopathy (Ambry internal data). This variant is considered to be rare based on population cohorts in the Genome Aggregation Database (gnomAD). This alteration is expected to result in loss of function by premature protein truncation or nonsense-mediated mRNA decay. As such, this alteration is interpreted as a disease-causing mutation.

Labcorp Genetics (formerly Invitae), Labcorp
Classification: Pathogenic for Hypertrophic cardiomyopathy. Last evaluated: 2023-08-16. Review status: criteria provided, single submitter. Criteria: Invitae Variant Classification Sherloc (09022015). Collection method: clinical testing. Allele origin: germline.
Comment: This variant is not present in population databases (gnomAD no frequency). This sequence change creates a premature translational stop signal (p.Trp683Glyfs*71) in the MYBPC3 gene. It is expected to result in an absent or disrupted protein product. Loss-of-function variants in MYBPC3 are known to be pathogenic (PMID: 19574547). This variant has not been reported in the literature in individuals affected with MYBPC3-related conditions. For these reasons, this variant has been classified as Pathogenic.

Literature cited by the submitters: PubMed 19574547 (cited by Labcorp Genetics (formerly Invitae), Labcorp).